The following is an entry in ClinVar:

ClinVar aggregate classification (germline): Uncertain significance (1 of 4 stars; one submission).

Conditions:
Emery-Dreifuss muscular dystrophy (EDMD). Also called: Scapuloperoneal syndrome, X-linked (formerly); Humeroperoneal neuromuscular disease, (formerly). Identifiers: Orphanet 261, MedGen C0410189, MONDO:0016830.

gnomAD v4.1: 5 of 1,614,042 alleles (0.00031%); highest among the groups gnomAD compares: African/African-American, 0.004%; no homozygotes.

Submission:

Labcorp Genetics (formerly Invitae), Labcorp
Classification: Uncertain significance for Emery-Dreifuss muscular dystrophy. Last evaluated: 2025-07-11. Review status: criteria provided, single submitter. Criteria: Invitae Variant Classification Sherloc (09022015). Collection method: clinical testing. Allele origin: germline.
Comment: This sequence change replaces glycine, which is neutral and non-polar, with tryptophan, which is neutral and slightly polar, at codon 237 of the SUN2 protein (p.Gly237Trp). This variant is not present in population databases (gnomAD no frequency). This variant has not been reported in the literature in individuals affected with SUN2-related conditions. An algorithm developed to predict the effect of missense changes on protein structure and function outputs the following: PolyPhen-2: "Benign". The tryptophan amino acid residue is found in multiple mammalian species, which suggests that this missense change does not adversely affect protein function. In summary, the available evidence is currently insufficient to determine the role of this variant in disease. Therefore, it has been classified as a Variant of Uncertain Significance.

NM_015374.3(SUN2):c.709G>T (p.Gly237Trp)

Gene: SUN2 (Sad1 and UNC84 domain containing 2; minus strand). Cytogenetic location: 22q13.1.
Variant type: single nucleotide variant.
Coding change: c.709G>T on transcript NM_015374.3 (MANE Select); coding-DNA position 709, G replaced by T.
Protein change: p.Gly237Trp; replaces glycine 237 with tryptophan.
Molecular consequence: missense variant. On other transcripts: intron variant (2).
Genome position (GRCh38, 1-based): chr22:38,745,788, C>A on the plus strand (G>T on the coding strand, the complement: SUN2 is on the minus strand). VCF-style: chr22-38745788-C-A. GRCh37 (hg19) VCF-style: chr22-39141793-C-A.
Other names: c.619G>T, p.Gly207Trp (NM_001394438.1); c.571G>T, p.Gly191Trp (NM_001394439.1, NM_001394440.1, NM_001394441.1); c.709G>T, p.Gly237Trp (NM_001394442.1, NM_001199580.2, NM_001394431.1 and 6 more transcripts); c.217G>T, p.Gly73Trp (NM_001394443.1); c.614+3978G>T (NM_001394444.1, NM_001394445.1); c.772G>T, p.Gly258Trp (NM_001199579.2, NM_001394428.1); c.802G>T, p.Gly268Trp (NM_001394427.1); c.754G>T, p.Gly252Trp (NM_001394429.1, NM_001394430.1); short protein forms G191W, G207W, G237W, G252W, G258W, G268W, G73W.
Identifiers: ClinVar variation 4803276 (VCV004803276.1).